The following is an entry in ClinVar:

NM_000059.4(BRCA2):c.8225_8232del (p.Asn2742fs)

Gene: BRCA2 (BRCA2 DNA repair associated; plus strand). Cytogenetic location: 13q13.1.
Variant type: Deletion.
Coding change: c.8225_8232del on transcript NM_000059.4 (MANE Select); coding-DNA positions 8225 to 8232, 8 bases deleted (ATGGCAGA; older notation c.8225_8232delATGGCAGA).
Protein change: p.Asn2742fs; shifts the reading frame from asparagine 2742.
Molecular consequence: frameshift variant. On other transcripts: non-coding transcript variant (1).
Genome position (GRCh38, 1-based): chr13:32,363,427-32,363,434, ATGGCAGA deleted; deleting any 8 consecutive bases within chr13:32,363,424-32,363,434 gives the same sequence; the c. name uses the placement nearest the transcript's 3' end. VCF-style (leftmost placement, unchanged base first): chr13-32363423-AAGAATGGC-A. GRCh37 (hg19) VCF-style: chr13-32937560-AAGAATGGC-A.
Other names: c.8129_8136del, p.Asn2710fs (NM_001406719.1); c.8225_8232del, p.Asn2742fs (NM_001406720.1); c.3293_3300del, p.Asn1098fs (NM_001406721.1); c.1808_1815del, p.Asn603fs (NM_001406722.1); short protein forms N1098fs, N2710fs, N2742fs, N603fs.
Identifiers: ClinVar variation 2674538 (VCV002674538.1), dbSNP rs2548546805, ClinGen allele CA2695199723.

ClinVar aggregate classification (germline): Pathogenic (1 of 4 stars; one submission).

Conditions:
Breast-ovarian cancer, familial, susceptibility to, 2 (BROVCA2). Also called: BRCA2 Hereditary Breast and Ovarian Cancer. Identifiers: Orphanet 145, MedGen C2675520, MONDO:0012933, OMIM 612555. Disease mechanism: loss of function.

Submission:

Myriad Genetics, Inc.
Classification: Pathogenic for Breast-ovarian cancer, familial, susceptibility to, 2. Last evaluated: 2023-09-11. Review status: criteria provided, single submitter. Criteria: Myriad Autosomal Dominant, Autosomal Recessive and X-Linked Classification Criteria (2023). Collection method: clinical testing. Allele origin: unknown.
Comment: This variant is considered pathogenic. This variant creates a frameshift predicted to result in premature protein truncation.